The following is an entry in ClinVar:

NM_004260.4(RECQL4):c.1285G>A (p.Gly429Arg)

Gene: RECQL4 (RecQ like helicase 4; minus strand). Cytogenetic location: 8q24.3.
Variant type: single nucleotide variant.
Coding change: c.1285G>A on transcript NM_004260.4 (MANE Select); coding-DNA position 1285, G replaced by A.
Protein change: p.Gly429Arg; replaces glycine 429 with arginine.
Molecular consequence: missense variant.
Genome position (GRCh38, 1-based): chr8:144,515,431, C>T on the plus strand (G>A on the coding strand, the complement: RECQL4 is on the minus strand). VCF-style: chr8-144515431-C-T. GRCh37 (hg19) VCF-style: chr8-145740815-C-T.
Other names: short protein forms G429R.
Identifiers: ClinVar variation 1037118 (VCV001037118.3), dbSNP rs1828017237, ClinGen allele CA372685912.
Genomic context (GRCh38, chr8:144,515,431, plus strand): 5'-TGGGGTCCAGGCTGGGCACCTCAGGTACAGGTTGTGGTGAAGGAACCAGTGGCTCAGGCC[C>T]AACAGCATCTGTGTCTTCCTCACTTGCTGGGGCAGGCAGGAGAGGGTAGAATGGGAGCTC-3'
Protein context (NP_004251.4, residues 419-439): PASEEDTDAV[Gly429Arg]PEPLVPSPQP

ClinVar aggregate classification (germline): Uncertain significance (1 of 4 stars; one submission).

Conditions:
Baller-Gerold syndrome (BGS). Also called: CRANIOSYNOSTOSIS WITH RADIAL DEFECTS. Identifiers: Orphanet 1225, MedGen C0265308, MONDO:0009039, OMIM 218600.

Allele frequency attached by ClinVar (database versions not stated): gnomAD exomes below 0.00001.
gnomAD v4.1: 2 of 1,612,810 alleles (0.00012%); highest among the groups gnomAD compares: South Asian, 0.0022%; no homozygotes.

Submission:

Labcorp Genetics (formerly Invitae), Labcorp
Classification: Uncertain significance for Baller-Gerold syndrome. Last evaluated: 2023-07-22. Review status: criteria provided, single submitter. Criteria: Invitae Variant Classification Sherloc (09022015). Collection method: clinical testing. Allele origin: germline.
Comment: This sequence change replaces glycine, which is neutral and non-polar, with arginine, which is basic and polar, at codon 429 of the RECQL4 protein (p.Gly429Arg). This variant is not present in population databases (gnomAD no frequency). This variant has not been reported in the literature in individuals affected with RECQL4-related conditions. ClinVar contains an entry for this variant (Variation ID: 1037118). Experimental studies and prediction algorithms are not available or were not evaluated, and the functional significance of this variant is currently unknown. In summary, the available evidence is currently insufficient to determine the role of this variant in disease. Therefore, it has been classified as a Variant of Uncertain Significance.